The following is an entry in ClinVar:

NM_007327.4(GRIN1):c.1829C>G (p.Ser610Cys)

Gene: GRIN1 (glutamate ionotropic receptor NMDA type subunit 1; plus strand). Cytogenetic location: 9q34.3.
Variant type: single nucleotide variant.
Coding change: c.1829C>G on transcript NM_007327.4 (MANE Select); coding-DNA position 1829, C replaced by G.
Protein change: p.Ser610Cys; replaces serine 610 with cysteine.
Molecular consequence: missense variant.
Genome position (GRCh38, 1-based): chr9:137,162,481, C>G. VCF-style: chr9-137162481-C-G. GRCh37 (hg19) VCF-style: chr9-140056933-C-G.
Other names: c.1829C>G, p.Ser610Cys (NM_000832.7, NM_021569.4); c.1892C>G, p.Ser631Cys (NM_001185090.2, NM_001185091.2); short protein forms S610C, S631C.
Identifiers: ClinVar variation 590187 (VCV000590187.5), dbSNP rs1564363645, ClinGen allele CA375719704.
Genomic context (GRCh38, chr9:137,162,481, plus strand): 5'-AGGTGAACAGCGAGGAGGAGGAGGAGGACGCACTGACCCTGTCCTCGGCCATGTGGTTCT[C>G]CTGGGGCGTCCTGCTCAACTCCGGCATCGGGGAAGGTAAGGCCCCGCCCGGCCCGCCTGG-3'
Protein context (NP_015566.1, residues 600-620): ALTLSSAMWF[Ser610Cys]WGVLLNSGIG

ClinVar aggregate classification (germline): Uncertain significance (1 of 4 stars; one submission).

Conditions:
Inborn genetic diseases. Identifiers: MedGen C0950123, MeSH D030342.

Submission:

Ambry Genetics
Classification: Uncertain significance for Inborn genetic diseases. Last evaluated: 2016-10-21. Review status: criteria provided, single submitter. Criteria: Ambry Variant Classification Scheme 2023. Collection method: clinical testing. Allele origin: germline.
Comment: The p.S610C variant (also known as c.1829C>G), located in coding exon 13 of the GRIN1 gene, results from a C to G substitution at nucleotide position 1829. The serine at codon 610 is replaced by cysteine, an amino acid with dissimilar properties. This variant was not reported in population based cohorts in the following databases: Database of Single Nucleotide Polymorphisms (dbSNP), NHLBI Exome Sequencing Project (ESP), and 1000 Genomes Project. In the ESP, this variant was not observed in 6498 samples (12996 alleles) with coverage at this position. This amino acid position is highly conserved in available vertebrate species. In addition, the in silico prediction for this alteration is inconclusive. Since supporting evidence is limited at this time, the clinical significance of this variant remains unclear.